The following is an entry in ClinVar:

ClinVar aggregate classification (germline): Likely benign (1 of 4 stars; one submission).

Submission:

CeGaT Center for Human Genetics Tuebingen
Classification: Likely benign. Last evaluated: 2025-09-01. Review status: criteria provided, single submitter. Criteria: CeGaT Center For Human Genetics Tuebingen Variant Classification Criteria Version 2. Collection method: clinical testing. Allele origin: germline. Affected: yes. Observed: 1 variant allele.
Comment: RELN: PM2:Supporting, BP4, BP7

NM_005045.4(RELN):c.267G>A (p.Val89=)

Gene: RELN (reelin; minus strand). Cytogenetic location: 7q22.1.
Variant type: single nucleotide variant.
Coding change: c.267G>A on transcript NM_005045.4 (MANE Select); coding-DNA position 267, G replaced by A.
Protein change: p.Val89=; no amino-acid change (valine 89 retained).
Molecular consequence: synonymous variant.
Genome position (GRCh38, 1-based): chr7:103,917,145, C>T on the plus strand (G>A on the coding strand, the complement: RELN is on the minus strand). VCF-style: chr7-103917145-C-T. GRCh37 (hg19) VCF-style: chr7-103557592-C-T.
Other names: c.267G>A, p.Val89= (NM_173054.3).
Identifiers: ClinVar variation 4281501 (VCV004281501.7).